The following is an entry in ClinVar:

ClinVar aggregate classification (germline): Uncertain significance (1 of 4 stars; one submission).

Conditions:
Developmental and epileptic encephalopathy, 31A. Also called: Epileptic encephalopathy, early infantile, 31; Developmental and epileptic encephalopathy, 31. Identifiers: Orphanet 2382, MedGen C4225357, MONDO:0014598, OMIM 616346.

Submission:

Labcorp Genetics (formerly Invitae), Labcorp
Classification: Uncertain significance for Developmental and epileptic encephalopathy, 31A. Last evaluated: 2022-12-03. Review status: criteria provided, single submitter. Criteria: Invitae Variant Classification Sherloc (09022015). Collection method: clinical testing. Allele origin: germline.
Comment: In summary, the available evidence is currently insufficient to determine the role of this variant in disease. Therefore, it has been classified as a Variant of Uncertain Significance. Advanced modeling of protein sequence and biophysical properties (such as structural, functional, and spatial information, amino acid conservation, physicochemical variation, residue mobility, and thermodynamic stability) performed at Invitae indicates that this missense variant is expected to disrupt DNM1 protein function. ClinVar contains an entry for this variant (Variation ID: 1521800). This missense change has been observed in individual(s) with clinical features of epileptic encephalopathy (Invitae). This variant is not present in population databases (gnomAD no frequency). This sequence change replaces asparagine, which is neutral and polar, with histidine, which is basic and polar, at codon 394 of the DNM1 protein (p.Asn394His).

NM_004408.4(DNM1):c.1180A>C (p.Asn394His)

Gene: DNM1 (dynamin 1; plus strand). Cytogenetic location: 9q34.11.
Variant type: single nucleotide variant.
Coding change: c.1180A>C on transcript NM_004408.4 (MANE Select); coding-DNA position 1180, A replaced by C.
Protein change: p.Asn394His; replaces asparagine 394 with histidine.
Molecular consequence: missense variant.
Genome position (GRCh38, 1-based): chr9:128,222,844, A>C. VCF-style: chr9-128222844-A-C. GRCh37 (hg19) VCF-style: chr9-130985123-A-C.
Other names: c.1180A>C, p.Asn394His (NM_001005336.3, NM_001288737.2, NM_001288738.2 and 2 more transcripts); short protein forms N394H.
Identifiers: ClinVar variation 1521800 (VCV001521800.8), dbSNP rs1835103161, ClinGen allele CA375016656.